The following is an entry in ClinVar:

ClinVar aggregate classification (germline): Uncertain significance (1 of 4 stars; one submission).

Allele frequency attached by ClinVar (database versions not stated): ExAC 0.00001.
gnomAD v4.1: 2 of 1,614,226 alleles (0.00012%); highest among the groups gnomAD compares: Non-Finnish European, 0.00017%; no homozygotes.

Submission:

Labcorp Genetics (formerly Invitae), Labcorp
Classification: Uncertain significance. Last evaluated: 2022-02-10. Review status: criteria provided, single submitter. Criteria: Invitae Variant Classification Sherloc (09022015). Collection method: clinical testing. Allele origin: germline.
Comment: This sequence change replaces phenylalanine, which is neutral and non-polar, with leucine, which is neutral and non-polar, at codon 24 of the RHO protein (p.Phe24Leu). This variant is present in population databases (rs768877243, gnomAD 0.0009%). This variant has not been reported in the literature in individuals affected with RHO-related conditions. ClinVar contains an entry for this variant (Variation ID: 846929). Advanced modeling of protein sequence and biophysical properties (such as structural, functional, and spatial information, amino acid conservation, physicochemical variation, residue mobility, and thermodynamic stability) performed at Invitae indicates that this missense variant is not expected to disrupt RHO protein function. In summary, the available evidence is currently insufficient to determine the role of this variant in disease. Therefore, it has been classified as a Variant of Uncertain Significance.

NM_000539.3(RHO):c.72C>G (p.Phe24Leu)

Gene: RHO (rhodopsin; plus strand). Cytogenetic location: 3q22.1.
Variant type: single nucleotide variant.
Coding change: c.72C>G on transcript NM_000539.3 (MANE Select); coding-DNA position 72, C replaced by G.
Protein change: p.Phe24Leu; replaces phenylalanine 24 with leucine.
Molecular consequence: missense variant.
Genome position (GRCh38, 1-based): chr3:129,528,805, C>G. VCF-style: chr3-129528805-C-G. GRCh37 (hg19) VCF-style: chr3-129247648-C-G.
Other names: short protein forms F24L.
Identifiers: ClinVar variation 846929 (VCV000846929.9), dbSNP rs768877243, ClinGen allele CA2607055.
Genomic context (GRCh38, chr3:129,528,805, plus strand): 5'-AGAAGGCCCTAACTTCTACGTGCCCTTCTCCAATGCGACGGGTGTGGTACGCAGCCCCTT[C>G]GAGTACCCACAGTACTACCTGGCTGAGCCATGGCAGTTCTCCATGCTGGCCGCCTACATG-3'
Protein context (NP_000530.1, residues 14-34): SNATGVVRSP[Phe24Leu]EYPQYYLAEP